The following is an entry in ClinVar:

NM_000548.5(TSC2):c.2852G>T (p.Arg951Ile)

Gene: TSC2 (TSC complex subunit 2; plus strand). Cytogenetic location: 16p13.3.
Variant type: single nucleotide variant.
Coding change: c.2852G>T on transcript NM_000548.5 (MANE Select); coding-DNA position 2852, G replaced by T.
Protein change: p.Arg951Ile; replaces arginine 951 with isoleucine.
Molecular consequence: missense variant. On other transcripts: intron variant (9).
Genome position (GRCh38, 1-based): chr16:2,077,612, G>T. VCF-style: chr16-2077612-G-T. GRCh37 (hg19) VCF-style: chr16-2127613-G-T.
Other names: c.2852G>T, p.Arg951Ile (NM_001114382.3); c.2837+1027G>T (NM_021055.3, NM_001370405.1, NM_001363528.2 and 2 more transcripts); c.2726+1027G>T (NM_001318827.2); c.2237+1027G>T (NM_001318831.2); c.2690+1027G>T (NM_001318829.2); c.2870+1027G>T (NM_001318832.2); c.2852G>T (NM_000548.3); short protein forms R951I.
Identifiers: ClinVar variation 1409401 (VCV001409401.9), dbSNP rs1216438701, ClinGen allele CA394280795.

ClinVar aggregate classification (germline): Uncertain significance. Review status: criteria provided, multiple submitters, no conflicts (2 of 4 stars). 2 submissions from 2 submitters: Uncertain significance (2). Last evaluated 2025-08-20.

Conditions:
Hereditary cancer-predisposing syndrome. Also called: Hereditary neoplastic syndrome; Neoplastic Syndromes, Hereditary; Hereditary Cancer Syndrome; Tumor predisposition. Identifiers: Orphanet 140162, MedGen C0027672, MeSH D009386, MONDO:0015356.
Tuberous sclerosis 2 (TSC2). Identifiers: Orphanet 805, MedGen C1860707, MONDO:0013199, OMIM 613254.

Submissions (2):

Ambry Genetics
Classification: Uncertain significance for Hereditary cancer-predisposing syndrome. Last evaluated: 2025-08-20. Review status: criteria provided, single submitter. Criteria: Ambry Variant Classification Scheme 2023. Collection method: clinical testing. Allele origin: germline.
Comment: The p.R951I variant (also known as c.2852G>T), located in coding exon 25 of the TSC2 gene, results from a G to T substitution at nucleotide position 2852. The arginine at codon 951 is replaced by isoleucine, an amino acid with similar properties. This amino acid position is not well conserved in available vertebrate species. In addition, the in silico prediction for this alteration is inconclusive. Based on the available evidence, the clinical significance of this variant remains unclear.

Labcorp Genetics (formerly Invitae), Labcorp
Classification: Uncertain significance for Tuberous sclerosis 2. Last evaluated: 2020-11-01. Review status: criteria provided, single submitter. Criteria: Invitae Variant Classification Sherloc (09022015). Collection method: clinical testing. Allele origin: germline.
Comment: In summary, the available evidence is currently insufficient to determine the role of this variant in disease. Therefore, it has been classified as a Variant of Uncertain Significance. Advanced modeling of protein sequence and biophysical properties (such as structural, functional, and spatial information, amino acid conservation, physicochemical variation, residue mobility, and thermodynamic stability) performed at Invitae indicates that this missense variant is not expected to disrupt TSC2 protein function. This variant has not been reported in the literature in individuals with TSC2-related conditions. This variant is not present in population databases (ExAC no frequency). This sequence change replaces arginine with isoleucine at codon 951 of the TSC2 protein (p.Arg951Ile). The arginine residue is weakly conserved and there is a moderate physicochemical difference between arginine and isoleucine.